The following is an entry in ClinVar:

ClinVar aggregate classification (germline): Uncertain significance. Review status: criteria provided, multiple submitters, no conflicts (2 of 4 stars). 2 submissions from 2 submitters: Uncertain significance (2). Last evaluated 2025-08-21.

Conditions:
Early-onset Parkinson disease 20. Also called: PARKINSON DISEASE 20, AUTOSOMAL RECESSIVE EARLY-ONSET. Identifiers: Orphanet 391411, MedGen C3809824, MONDO:0014233, OMIM 615530.
Developmental and epileptic encephalopathy, 53. Also called: Epileptic encephalopathy, early infantile, 53. Identifiers: MedGen C4479313, MONDO:0033362, OMIM 617389.

Allele frequency attached by ClinVar (database versions not stated): TOPMed 0.00002; ExAC 0.00003; gnomAD 0.00003; gnomAD exomes 0.00003 and 0.00009.
gnomAD v4.1: 137 of 1,613,908 alleles (0.0085%); highest among the groups gnomAD compares: Non-Finnish European, 0.011%; no homozygotes.

Submissions (2):

Labcorp Genetics (formerly Invitae), Labcorp
Classification: Uncertain significance for Developmental and epileptic encephalopathy, 53; Early-onset Parkinson disease 20. Last evaluated: 2025-08-21. Review status: criteria provided, single submitter. Criteria: Invitae Variant Classification Sherloc (09022015). Collection method: clinical testing. Allele origin: germline.
Comment: This sequence change replaces threonine, which is neutral and polar, with alanine, which is neutral and non-polar, at codon 881 of the SYNJ1 protein (p.Thr881Ala). This variant is present in population databases (rs779943757, gnomAD 0.006%). This variant has not been reported in the literature in individuals affected with SYNJ1-related conditions. ClinVar contains an entry for this variant (Variation ID: 963122). Invitae Evidence Modeling of protein sequence and biophysical properties (such as structural, functional, and spatial information, amino acid conservation, physicochemical variation, residue mobility, and thermodynamic stability) indicates that this missense variant is not expected to disrupt SYNJ1 protein function with a negative predictive value of 80%. In summary, the available evidence is currently insufficient to determine the role of this variant in disease. Therefore, it has been classified as a Variant of Uncertain Significance.

Blueprint Genetics
Classification: Uncertain significance. Last evaluated: 2024-01-23. Review status: criteria provided, single submitter. Criteria: ACMG Guidelines, 2015. Collection method: clinical testing. Allele origin: germline.

NM_203446.3(SYNJ1):c.2524A>G (p.Thr842Ala)

Gene: SYNJ1 (synaptojanin 1; minus strand). Cytogenetic location: 21q22.11.
Variant type: single nucleotide variant.
Coding change: c.2524A>G on transcript NM_203446.3 (MANE Select); coding-DNA position 2524, A replaced by G.
Protein change: p.Thr842Ala; replaces threonine 842 with alanine.
Molecular consequence: missense variant.
Genome position (GRCh38, 1-based): chr21:32,657,058, T>C on the plus strand (A>G on the coding strand, the complement: SYNJ1 is on the minus strand). VCF-style: chr21-32657058-T-C. GRCh37 (hg19) VCF-style: chr21-34029368-T-C.
Other names: c.2524A>G, p.Thr842Ala (NM_001160302.2); c.2509A>G, p.Thr837Ala (NM_001160306.2); c.2641A>G, p.Thr881Ala (NM_003895.4); short protein forms T842A, T837A, T881A.
Identifiers: ClinVar variation 963122 (VCV000963122.7), dbSNP rs779943757, ClinGen allele CA10003643.